The following is an entry in ClinVar:

ClinVar aggregate classification (germline): Pathogenic. Review status: criteria provided, multiple submitters, no conflicts (2 of 4 stars). 2 submissions from 2 submitters: Pathogenic (2). Last evaluated 2025-01-19.

Conditions:
Cardiovascular phenotype. Identifiers: MedGen CN230736.
Hereditary cancer-predisposing syndrome. Also called: Hereditary Cancer Syndrome; Tumor predisposition; Neoplastic Syndromes, Hereditary; Hereditary neoplastic syndrome. Identifiers: Orphanet 140162, MedGen C0027672, MeSH D009386, MONDO:0015356.

Submissions (2):

Ambry Genetics
Classification: Pathogenic for Cardiovascular phenotype; Hereditary cancer-predisposing syndrome. Last evaluated: 2025-01-19. Review status: criteria provided, single submitter. Criteria: Ambry Variant Classification Scheme 2023. Collection method: clinical testing. Allele origin: germline.
Comment: The c.1866_1867delTC pathogenic mutation, located in coding exon 16 of the LZTR1 gene, results from a deletion of two nucleotides at nucleotide positions 1866 to 1867, causing a translational frameshift with a predicted alternate stop codon (p.P623Tfs*45). This alteration is expected to result in loss of function by premature protein truncation or nonsense-mediated mRNA decay. Loss-of-function variants in LZTR1 are related to an increased risk for schwannomas and autosomal recessive Noonan syndrome; however, such associations with autosomal dominant Noonan syndrome have not been observed (Piotrowski A et al. Nat Genet. 2014 Feb;46:182-7; Yamamoto GL et al. J Med Genet. 2015 Jun;52:413-21; Johnston JJ et al. Genet Med. 2018 10;20:1175-1185). This variant is considered to be rare based on population cohorts in the Genome Aggregation Database (gnomAD). Based on the supporting evidence, this variant is pathogenic for an increased risk of LZTR1-related schwannomatosis (SWN) and would be expected to cause autosomal recessive Noonan syndrome when present along with a second pathogenic or likely pathogenic variant on the other allele; however, the association of this alteration with autosomal dominant Noonan syndrome is unlikely.

Labcorp Genetics (formerly Invitae), Labcorp
Classification: Pathogenic. Last evaluated: 2024-10-15. Review status: criteria provided, single submitter. Criteria: Invitae Variant Classification Sherloc (09022015). Collection method: clinical testing. Allele origin: germline.
Comment: This sequence change creates a premature translational stop signal (p.Pro623Thrfs*45) in the LZTR1 gene. It is expected to result in an absent or disrupted protein product. Loss-of-function variants in LZTR1 are known to be pathogenic (PMID: 24362817, 25335493, 25480913, 25795793, 29469822, 30368668, 30442762, 30442766, 30481304, 30859559). This variant is not present in population databases (gnomAD no frequency). This variant has not been reported in the literature in individuals affected with LZTR1-related conditions. For these reasons, this variant has been classified as Pathogenic.

Literature cited by the submitters: PubMed 24362817 (cited by Labcorp Genetics (formerly Invitae), Labcorp); PubMed 25335493 (cited by Labcorp Genetics (formerly Invitae), Labcorp); PubMed 25480913 (cited by Labcorp Genetics (formerly Invitae), Labcorp); PubMed 25795793 (cited by Labcorp Genetics (formerly Invitae), Labcorp); PubMed 29469822 (cited by Labcorp Genetics (formerly Invitae), Labcorp); PubMed 30368668 (cited by Labcorp Genetics (formerly Invitae), Labcorp); PubMed 30442762 (cited by Labcorp Genetics (formerly Invitae), Labcorp); PubMed 30442766 (cited by Labcorp Genetics (formerly Invitae), Labcorp); PubMed 30481304 (cited by Labcorp Genetics (formerly Invitae), Labcorp); PubMed 30859559 (cited by Labcorp Genetics (formerly Invitae), Labcorp).

NM_006767.4(LZTR1):c.1866_1867del (p.Pro623fs)

Gene: LZTR1 (leucine zipper like post translational regulator 1; plus strand). Cytogenetic location: 22q11.21.
Variant type: Microsatellite.
Coding change: c.1866_1867del on transcript NM_006767.4 (MANE Select); coding-DNA positions 1866 to 1867, 2 bases deleted (TC; older notation c.1866_1867delTC).
Protein change: p.Pro623fs; shifts the reading frame from proline 623.
Molecular consequence: frameshift variant.
Genome position (GRCh38, 1-based): chr22:20,994,950-20,994,951, TC deleted; deleting any 2 consecutive bases within chr22:20,994,947-20,994,951 gives the same sequence; the c. name uses the placement nearest the transcript's 3' end. VCF-style (leftmost placement, unchanged base first): chr22-20994946-CCT-C. GRCh37 (hg19) VCF-style: chr22-21349235-CCT-C.
Other names: c.1866_1867delTC (NM_006767.3); short protein forms P623fs.
Identifiers: ClinVar variation 2420900 (VCV002420900.7), dbSNP rs1601722136, ClinGen allele CA2577656261.
Genomic context (GRCh38, chr22:20,994,946, plus strand): 5'-TCGTGGTAAAGGAGTCCCACTTCAACCAGGTGATCATGATGAAGGAGTTCGAGCGCCTCT[CCT>C]CTCCACTGATAGTGGAGATTGTGCGGCGGAAGCAGCAGCCGCCCCCTCGCACTCCCTTGG-3'